The following is an entry in ClinVar:

NM_001734.5(C1S):c.991C>A (p.Arg331Ser)

Gene: C1S (complement C1s; plus strand). Cytogenetic location: 12p13.31.
Variant type: single nucleotide variant.
Coding change: c.991C>A on transcript NM_001734.5 (MANE Select); coding-DNA position 991, C replaced by A.
Protein change: p.Arg331Ser; replaces arginine 331 with serine.
Molecular consequence: missense variant.
Genome position (GRCh38, 1-based): chr12:7,067,042, C>A. VCF-style: chr12-7067042-C-A. GRCh37 (hg19) VCF-style: chr12-7174346-C-A.
Other names: c.490C>A, p.Arg164Ser (NM_001346850.2); c.991C>A, p.Arg331Ser (NM_201442.4); short protein forms R331S, R164S.
Identifiers: ClinVar variation 2119099 (VCV002119099.4), dbSNP rs140488585, ClinGen allele CA6423644.

ClinVar aggregate classification (germline): Uncertain significance (1 of 4 stars; one submission).

gnomAD v4.1: 4 of 1,608,142 alleles (0.00025%); highest among the groups gnomAD compares: Non-Finnish European, 0.00026%; no homozygotes.

Submission:

Labcorp Genetics (formerly Invitae), Labcorp
Classification: Uncertain significance. Last evaluated: 2023-04-20. Review status: criteria provided, single submitter. Criteria: Invitae Variant Classification Sherloc (09022015). Collection method: clinical testing. Allele origin: germline.
Comment: In summary, the available evidence is currently insufficient to determine the role of this variant in disease. Therefore, it has been classified as a Variant of Uncertain Significance. Advanced modeling of protein sequence and biophysical properties (such as structural, functional, and spatial information, amino acid conservation, physicochemical variation, residue mobility, and thermodynamic stability) performed at Invitae indicates that this missense variant is not expected to disrupt C1S protein function. ClinVar contains an entry for this variant (Variation ID: 2119099). This variant has not been reported in the literature in individuals affected with C1S-related conditions. This variant is present in population databases (rs140488585, gnomAD 0.004%). This sequence change replaces arginine, which is basic and polar, with serine, which is neutral and polar, at codon 331 of the C1S protein (p.Arg331Ser).